The following is an entry in ClinVar:

NM_138694.4(PKHD1):c.3430_3436del (p.His1144fs)

Gene: PKHD1 (PKHD1 ciliary IPT domain containing fibrocystin/polyductin; minus strand). Cytogenetic location: 6p12.2.
Variant type: Deletion.
Coding change: c.3430_3436del on transcript NM_138694.4 (MANE Select); coding-DNA positions 3430 to 3436, 7 bases deleted (CACGTCC; older notation c.3430_3436delCACGTCC).
Protein change: p.His1144fs; shifts the reading frame from histidine 1144.
Molecular consequence: frameshift variant.
Genome position (GRCh38, 1-based): chr6:52,028,280-52,028,286, GGACGTG deleted on the plus strand (CACGTCC on the coding strand, the reverse complement: PKHD1 is on the minus strand); deleting any 7 consecutive bases within chr6:52,028,280-52,028,287 gives the same sequence; the c. name uses the placement nearest the transcript's 3' end. VCF-style (leftmost placement, unchanged base first): chr6-52028279-TGGACGTG-T. GRCh37 (hg19) VCF-style: chr6-51893077-TGGACGTG-T.
Other names: c.3430_3436del, p.His1144fs (NM_170724.3); short protein forms H1144fs.
Identifiers: ClinVar variation 3611903 (VCV003611903.2).

ClinVar aggregate classification (germline): Pathogenic (1 of 4 stars; one submission).

Conditions:
Autosomal recessive polycystic kidney disease (ARPKD). Also called: AR polycystic kidney disease. Identifiers: Orphanet 731, Orphanet 8378, MedGen C0085548, MeSH D017044, MONDO:0009889.

Submission:

Labcorp Genetics (formerly Invitae), Labcorp
Classification: Pathogenic for Autosomal recessive polycystic kidney disease. Last evaluated: 2024-02-14. Review status: criteria provided, single submitter. Criteria: Invitae Variant Classification Sherloc (09022015). Collection method: clinical testing. Allele origin: germline.
Comment: This sequence change creates a premature translational stop signal (p.His1144Argfs*74) in the PKHD1 gene. It is expected to result in an absent or disrupted protein product. Loss-of-function variants in PKHD1 are known to be pathogenic (PMID: 19940839). This variant is not present in population databases (gnomAD no frequency). This variant has not been reported in the literature in individuals affected with PKHD1-related conditions. Algorithms developed to predict the effect of sequence changes on RNA splicing suggest that this variant may disrupt the consensus splice site. For these reasons, this variant has been classified as Pathogenic.

Literature cited by the submitters: PubMed 19940839.